The following is an entry in ClinVar:

ClinVar aggregate classification (germline): Pathogenic (1 of 4 stars; one submission).

Submission:

Labcorp Genetics (formerly Invitae), Labcorp
Classification: Pathogenic. Last evaluated: 2023-11-07. Review status: criteria provided, single submitter. Criteria: Invitae Variant Classification Sherloc (09022015). Collection method: clinical testing. Allele origin: germline.
Comment: This sequence change creates a premature translational stop signal (p.Thr1887Leufs*23) in the VPS13A gene. It is expected to result in an absent or disrupted protein product. Loss-of-function variants in VPS13A are known to be pathogenic (PMID: 12404112, 21598378). This variant is not present in population databases (gnomAD no frequency). This variant has not been reported in the literature in individuals affected with VPS13A-related conditions. For these reasons, this variant has been classified as Pathogenic.

Literature cited by the submitters: PubMed 12404112; PubMed 21598378.

NM_033305.3(VPS13A):c.5658del (p.Thr1887fs)

Gene: VPS13A (vacuolar protein sorting 13 homolog A; plus strand). Cytogenetic location: 9q21.2.
Variant type: Deletion.
Coding change: c.5658del on transcript NM_033305.3 (MANE Select); coding-DNA position 5658, one base deleted (T; older notation c.5658delT).
Protein change: p.Thr1887fs; shifts the reading frame from threonine 1887.
Molecular consequence: frameshift variant.
Genome position (GRCh38, 1-based): chr9:77,321,574, T deleted; the last of 2 consecutive T bases (chr9:77,321,573-77,321,574); deleting either gives the same sequence. VCF-style (leftmost placement, unchanged base first): chr9-77321572-CT-C. GRCh37 (hg19) VCF-style: chr9-79936488-CT-C.
Other names: c.5541del, p.Thr1848fs (NM_001018037.2); c.5658del, p.Thr1887fs (NM_001018038.3, NM_015186.4); short protein forms T1887fs, T1848fs.
Identifiers: ClinVar variation 2878066 (VCV002878066.3), dbSNP rs2538009104, ClinGen allele CA2690372992.
Genomic context (GRCh38, chr9:77,321,572, plus strand): 5'-GGATCTTCAGCTGACTTCGTAAAGGATCTAGCACCATTTATGATTTTAAATTCCCTTGGA[CT>C]TACTATTTCTGTTTCGCCAAGTGATTCTTTTAGTGTACTCAACATTCCTATGGCAAAATC-3'